The following is an entry in ClinVar:

ClinVar aggregate classification (germline): Uncertain significance (1 of 4 stars; one submission).

Submission:

Ambry Genetics
Classification: Uncertain significance. Last evaluated: 2025-10-03. Review status: criteria provided, single submitter. Criteria: Ambry Variant Classification Scheme 2023. Collection method: clinical testing. Allele origin: germline.
Comment: The p.V136L variant (also known as c.406G>C), located in coding exon 4 of the SRP72 gene, results from a G to C substitution at nucleotide position 406. The valine at codon 136 is replaced by leucine, an amino acid with highly similar properties. This amino acid position is conserved. In addition, this alteration is predicted to be tolerated by in silico analysis. Based on the available evidence, the clinical significance of this variant remains unclear.

NM_006947.4(SRP72):c.406G>C (p.Val136Leu)

Gene: SRP72 (signal recognition particle 72; plus strand). Cytogenetic location: 4q12.
Variant type: single nucleotide variant.
Coding change: c.406G>C on transcript NM_006947.4 (MANE Select); coding-DNA position 406, G replaced by C.
Protein change: p.Val136Leu; replaces valine 136 with leucine.
Molecular consequence: missense variant. On other transcripts: non-coding transcript variant (1).
Genome position (GRCh38, 1-based): chr4:56,474,105, G>C. VCF-style: chr4-56474105-G-C. GRCh37 (hg19) VCF-style: chr4-57340271-G-C.
Other names: c.406G>C, p.Val136Leu (NM_001267722.2); short protein forms V136L.
Identifiers: ClinVar variation 4589590 (VCV004589590.1).